The following is an entry in ClinVar:

NM_001166108.2(PALLD):c.1965-12709T>C

Gene: PALLD (palladin, cytoskeletal associated protein; plus strand). Cytogenetic location: 4q32.3.
Variant type: single nucleotide variant.
Coding change: c.1965-12709T>C on transcript NM_001166108.2 (MANE Select); 12709 bases into the intron before coding-DNA position 1965, T replaced by C.
Molecular consequence: intron variant. On other transcripts: missense variant (1).
Genome position (GRCh38, 1-based): chr4:168,878,213, T>C. VCF-style: chr4-168878213-T-C. GRCh37 (hg19) VCF-style: chr4-169799364-T-C.
Other names: c.322T>C, p.Phe108Leu (NM_001166110.2); c.1965-12709T>C (NM_016081.4); c.819-12709T>C (NM_001166109.2); c.-157-12709T>C (NM_001367570.1, NM_001367568.1, NM_001367567.1 and 1 more transcripts); short protein forms F108L.
Identifiers: ClinVar variation 1468681 (VCV001468681.8), dbSNP rs1043636321, ClinGen allele CA110515938.

ClinVar aggregate classification (germline): Uncertain significance (1 of 4 stars; one submission).

Conditions:
Pancreatic adenocarcinoma. Identifiers: MedGen C0281361, MONDO:0006047, HP:0006725.

Allele frequency attached by ClinVar (database versions not stated): TOPMed below 0.00001; gnomAD exomes 0.00001.

Submission:

Labcorp Genetics (formerly Invitae), Labcorp
Classification: Uncertain significance for Pancreatic adenocarcinoma. Last evaluated: 2022-01-27. Review status: criteria provided, single submitter. Criteria: Invitae Variant Classification Sherloc (09022015). Collection method: clinical testing. Allele origin: germline.
Comment: In summary, the available evidence is currently insufficient to determine the role of this variant in disease. Therefore, it has been classified as a Variant of Uncertain Significance. Algorithms developed to predict the effect of missense changes on protein structure and function are either unavailable or do not agree on the potential impact of this missense change (SIFT: "Deleterious"; PolyPhen-2: "Benign"; Align-GVGD: "Class C15"). This variant has not been reported in the literature in individuals affected with PALLD-related conditions. The frequency data for this variant in the population databases is considered unreliable, as metrics indicate poor data quality at this position in the gnomAD database. This sequence change replaces phenylalanine, which is neutral and non-polar, with leucine, which is neutral and non-polar, at codon 108 of the PALLD protein (p.Phe108Leu).